The following is an entry in ClinVar:

NM_182961.4(SYNE1):c.22602C>G (p.Asn7534Lys)

Gene: SYNE1 (spectrin repeat containing nuclear envelope protein 1; minus strand). Cytogenetic location: 6q25.2.
Variant type: single nucleotide variant.
Coding change: c.22602C>G on transcript NM_182961.4 (MANE Select); coding-DNA position 22602, C replaced by G.
Protein change: p.Asn7534Lys; replaces asparagine 7534 with lysine.
Molecular consequence: missense variant.
Genome position (GRCh38, 1-based): chr6:152,208,194, G>C on the plus strand (C>G on the coding strand, the complement: SYNE1 is on the minus strand). VCF-style: chr6-152208194-G-C. GRCh37 (hg19) VCF-style: chr6-152529329-G-C.
Other names: c.22389C>G, p.Asn7463Lys (NM_033071.5); c.22389C>G (NM_033071.3); short protein forms N7534K, N7463K.
Identifiers: ClinVar variation 1492131 (VCV001492131.8), dbSNP rs1383141765, ClinGen allele CA366096721.

ClinVar aggregate classification (germline): Uncertain significance. Review status: criteria provided, multiple submitters, no conflicts (2 of 4 stars). 2 submissions from 2 submitters: Uncertain significance (2). Last evaluated 2021-11-04.

Conditions:
Autosomal recessive ataxia, Beauce type. Also called: SYNE1-Related Autosomal Recessive Cerebellar Ataxia; Spinocerebellar ataxia, autosomal recessive 8; ATAXIA, RECESSIVE, OF BEAUCE; SYNE1 Deficiency. Identifiers: Orphanet 88644, MedGen C1853116, MONDO:0012549, OMIM 610743.
Emery-Dreifuss muscular dystrophy 4, autosomal dominant (EDMD4). Also called: EMERY-DREIFUSS MUSCULAR DYSTROPHY 4 WITH VARIABLE FEATURES. Identifiers: Orphanet 261, MedGen C2751807, MONDO:0013071, OMIM 612998.

Allele frequency attached by ClinVar (database versions not stated): gnomAD 0.00001; gnomAD exomes 0.00001.
gnomAD v4.1: 4 of 1,613,844 alleles (0.00025%); highest among the groups gnomAD compares: South Asian, 0.0033%; no homozygotes.

Submissions (2):

Revvity Omics, Revvity
Classification: Uncertain significance. Last evaluated: 2021-11-04. Review status: criteria provided, single submitter. Criteria: ACMG Guidelines, 2015. Collection method: clinical testing. Allele origin: germline.

Labcorp Genetics (formerly Invitae), Labcorp
Classification: Uncertain significance for Emery-Dreifuss muscular dystrophy 4, autosomal dominant; Autosomal recessive ataxia, Beauce type. Last evaluated: 2021-08-05. Review status: criteria provided, single submitter. Criteria: Invitae Variant Classification Sherloc (09022015). Collection method: clinical testing. Allele origin: germline.
Comment: In summary, the available evidence is currently insufficient to determine the role of this variant in disease. Therefore, it has been classified as a Variant of Uncertain Significance. Algorithms developed to predict the effect of missense changes on protein structure and function are either unavailable or do not agree on the potential impact of this missense change (SIFT: "Deleterious"; PolyPhen-2: "Benign"; Align-GVGD: "Class C25"). This variant has not been reported in the literature in individuals affected with SYNE1-related conditions. This variant is not present in population databases (ExAC no frequency). This sequence change replaces asparagine with lysine at codon 7463 of the SYNE1 protein (p.Asn7463Lys). The asparagine residue is highly conserved and there is a moderate physicochemical difference between asparagine and lysine.